The following is an entry in ClinVar:

NM_001114753.3(ENG):c.1316A>C (p.Lys439Thr)

Genes: ENG (endoglin; minus strand), LOC102723566 (uncharacterized LOC102723566; plus strand). Cytogenetic location: 9q34.11.
Variant type: single nucleotide variant.
Coding change: c.1316A>C on transcript NM_001114753.3 (MANE Select); coding-DNA position 1316, A replaced by C.
Protein change: p.Lys439Thr; replaces lysine 439 with threonine.
Molecular consequence: missense variant.
Genome position (GRCh38, 1-based): chr9:127,818,828, T>G on the plus strand (A>C on the coding strand, the complement: ENG is on the minus strand). VCF-style: chr9-127818828-T-G. GRCh37 (hg19) VCF-style: chr9-130581107-T-G.
Other names: NM_001114753.3(ENG):c.1316A>C; c.1316A>C, p.Lys439Thr (NM_000118.4); c.770A>C, p.Lys257Thr (NM_001278138.2); short protein forms K439T, K257T.
Identifiers: ClinVar variation 365088 (VCV000365088.31), dbSNP rs368533266, ClinGen allele CA5252800.

ClinVar aggregate classification (germline): Likely benign. Review status: reviewed by expert panel (3 of 4 stars). 5 submissions from 5 submitters: Likely benign (1). 4 of the submissions do not count toward it. Last evaluated 2024-03-15.

Conditions:
Hereditary hemorrhagic telangiectasia (HHT). Also called: ORW DISEASE; Osler Weber Rendu syndrome; OSLER-RENDU-WEBER DISEASE; Osler hemorrhagic telangiectasia syndrome. Identifiers: Orphanet 774, MedGen C0039445, MONDO:0019180. Disease mechanism: loss of function.
Telangiectasia, hereditary hemorrhagic, type 1 (HHT1). Also called: Osler Weber Rendu syndrome type 1; ENG-Related Hereditary Hemorrhagic Telangiectasia. Identifiers: Orphanet 774, MedGen C4551861, MONDO:0008535, OMIM 187300. Disease mechanism: loss of function.

Allele frequency attached by ClinVar (database versions not stated): gnomAD 0.00004 and 0.00005; gnomAD exomes 0.00008 and 0.00013; ExAC 0.00009; TOPMed 0.00011; ESP Exome Variant Server 0.00023.
gnomAD v4.1: 138 of 1,612,018 alleles (0.0086%); highest among the groups gnomAD compares: Middle Eastern, 0.17%; no homozygotes.

Submissions (5):

ClinGen Hereditary Hemorrhagic Telangiectasia Variant Curation Expert Panel, ClinGen
Classification: Likely benign for Telangiectasia, hereditary hemorrhagic, type 1. Last evaluated: 2024-03-15. Review status: reviewed by expert panel. Criteria: ClinGen HHT ACMG Specifications ENG V1.1.0. Collection method: curation. Allele origin: germline. Inheritance: Autosomal dominant inheritance.
Comment: The NM_001114753.3: c.1316A>C variant in ENG is a missense variant predicted to cause substitution of lysine by threonine at amino acid 439 (p.Lys439Thr). The filtering allele frequency (the lower threshold of the 95% CI of 15/10368) of the c.1316A>C variant in ENG is 0.0008918 for Ashkenazi Jewish chromosomes by gnomAD v2.1.1, which is higher than the ClinGen Hereditary Hemorrhagic Telangiectasia Variant Curation Expert Panel threshold (>0.0008-0.002) for BS1_Supporting, and therefore meets this criterion (BS1_Supporting). The computational predictor REVEL gives a score of 0.041, which is below the threshold of less than or equal to 0.15, and the splice site predictor SpliceAI indicated that the variant has no impact on splicing, evidence that does not predict a damaging effect on ENG function (BP4). Additionally, functional assays showed the variant protein localized to the cell surface and had normal BMP9 response indicating that this variant does not impact protein function (BS3_Supporting; PMID: 25312062). In summary, this variant meets the criteria to be classified as likely benign for autosomal dominant hereditary hemorrhagic telangiectasia based on the ACMG/AMP criteria applied, as specified by the ClinGen Hereditary Hemorrhagic Telangiectasia Variant Curation Expert Panel: BS1_Supporting, BP4, BS3_Supporting (specification version 1.0.0; 1/4/2024).

CeGaT Center for Human Genetics Tuebingen
Classification: Likely benign. Last evaluated: 2026-08-01. Review status: criteria provided, single submitter. Criteria: CeGaT Center For Human Genetics Tuebingen Variant Classification Criteria Version 2. Collection method: clinical testing. Allele origin: germline. Affected: yes. Observed: 4 variant alleles. Not counted in ClinVar's aggregate classification.
Comment: ENG: BP4, BS1

Labcorp Genetics (formerly Invitae), Labcorp
Classification: Benign for Hereditary hemorrhagic telangiectasia. Last evaluated: 2026-01-26. Review status: criteria provided, single submitter. Criteria: Invitae Variant Classification Sherloc (09022015). Collection method: clinical testing. Allele origin: germline. Not counted in ClinVar's aggregate classification.

Illumina Laboratory Services, Illumina
Classification: Uncertain significance for Telangiectasia, hereditary hemorrhagic, type 1. Last evaluated: 2018-01-12. Review status: criteria provided, single submitter. Criteria: ICSL Variant Classification Criteria 13 December 2019. Collection method: clinical testing. Allele origin: germline. Not counted in ClinVar's aggregate classification.

ARUP Laboratories, Molecular Genetics and Genomics, ARUP Laboratories
Classification: Uncertain significance. Last evaluated: 2017-09-14. Review status: criteria provided, single submitter. Criteria: ARUP Molecular Germline Variant Investigation Process. Collection method: clinical testing. Allele origin: germline. Not counted in ClinVar's aggregate classification.
Comment: The c.1316A>C; p.Lys439Thr variant (rs368533266) was reported in a patient that carried a deletion in exon 6 of the ENG gene (Mallet, 2015). Functional studies by Mallet (2015) also showed that the p.Lys439Thr is properly targeted to the cell surface and stimulates ALK1 signaling in response to BMP9, features that are otherwise reduced in defective ENG polypeptides. This variant is listed in the Genome Aggregation Database (gnomAD) with a frequency of 0.15 percent in the Ashkenazi Jewish population (identified on 15 out of 9,850 chromosomes), and is reported to the ClinVar database (Variation ID: 365088). The lysine at position 439 is moderately conserved considering 12 species (Alamut v2.9.0) and computational analyses of the p.Lys439Thr variant on protein structure and function indicate a neutral effect (SIFT: tolerated, MutationTaster: polymorphism, PolyPhen-2: benign). Based on these observations, the p.Lys439Thr variant is likely to be benign.